The following is an entry in ClinVar:

NM_182961.4(SYNE1):c.13231G>T (p.Val4411Phe)

Gene: SYNE1 (spectrin repeat containing nuclear envelope protein 1; minus strand). Cytogenetic location: 6q25.2.
Variant type: single nucleotide variant.
Coding change: c.13231G>T on transcript NM_182961.4 (MANE Select); coding-DNA position 13231, G replaced by T.
Protein change: p.Val4411Phe; replaces valine 4411 with phenylalanine.
Molecular consequence: missense variant.
Genome position (GRCh38, 1-based): chr6:152,331,454, C>A on the plus strand (G>T on the coding strand, the complement: SYNE1 is on the minus strand). VCF-style: chr6-152331454-C-A. GRCh37 (hg19) VCF-style: chr6-152652589-C-A.
Other names: c.13018G>T, p.Val4340Phe (NM_033071.5); short protein forms V4340F, V4411F.
Identifiers: ClinVar variation 860209 (VCV000860209.7), dbSNP rs768553487, ClinGen allele CA4056221.

ClinVar aggregate classification (germline): Uncertain significance (1 of 4 stars; one submission).

Conditions:
Emery-Dreifuss muscular dystrophy 4, autosomal dominant (EDMD4). Also called: EMERY-DREIFUSS MUSCULAR DYSTROPHY 4 WITH VARIABLE FEATURES. Identifiers: Orphanet 261, MedGen C2751807, MONDO:0013071, OMIM 612998.
Autosomal recessive ataxia, Beauce type. Also called: ATAXIA, RECESSIVE, OF BEAUCE; SYNE1 Deficiency; Spinocerebellar ataxia, autosomal recessive 8; SYNE1-Related Autosomal Recessive Cerebellar Ataxia. Identifiers: Orphanet 88644, MedGen C1853116, MONDO:0012549, OMIM 610743.

Allele frequency attached by ClinVar (database versions not stated): ExAC 0.00001; gnomAD exomes 0.00001.
gnomAD v4.1: 25 of 1,614,152 alleles (0.0015%); highest among the groups gnomAD compares: South Asian, 0.011%; no homozygotes.

Submission:

Labcorp Genetics (formerly Invitae), Labcorp
Classification: Uncertain significance for Emery-Dreifuss muscular dystrophy 4, autosomal dominant; Autosomal recessive ataxia, Beauce type. Last evaluated: 2021-09-01. Review status: criteria provided, single submitter. Criteria: Invitae Variant Classification Sherloc (09022015). Collection method: clinical testing. Allele origin: germline.
Comment: This sequence change replaces valine with phenylalanine at codon 4340 of the SYNE1 protein (p.Val4340Phe). The valine residue is highly conserved and there is a small physicochemical difference between valine and phenylalanine. This variant is present in population databases (rs768553487, ExAC 0.006%). This variant has not been reported in the literature in individuals affected with SYNE1-related conditions. Algorithms developed to predict the effect of missense changes on protein structure and function (SIFT, PolyPhen-2, Align-GVGD) all suggest that this variant is likely to be disruptive. Algorithms developed to predict the effect of sequence changes on RNA splicing suggest that this variant may create or strengthen a splice site. In summary, the available evidence is currently insufficient to determine the role of this variant in disease. Therefore, it has been classified as a Variant of Uncertain Significance.